The following is an entry in ClinVar:

NM_017780.4(CHD7):c.7604G>A (p.Ser2535Asn)

Gene: CHD7 (chromodomain helicase DNA binding protein 7; plus strand). Cytogenetic location: 8q12.2.
Variant type: single nucleotide variant.
Coding change: c.7604G>A on transcript NM_017780.4 (MANE Select); coding-DNA position 7604, G replaced by A.
Protein change: p.Ser2535Asn; replaces serine 2535 with asparagine.
Molecular consequence: missense variant. On other transcripts: intron variant (1).
Genome position (GRCh38, 1-based): chr8:60,856,884, G>A. VCF-style: chr8-60856884-G-A. GRCh37 (hg19) VCF-style: chr8-61769443-G-A.
Other names: c.1717-5345G>A (NM_001316690.1); short protein forms S2535N.
Identifiers: ClinVar variation 1709660 (VCV001709660.2), dbSNP rs2488079171, ClinGen allele CA371302941.
Genomic context (GRCh38, chr8:60,856,884, plus strand): 5'-GGAGGAAAAATGTGGAGGGACTTGATCTGCTTTTCATGAGCCACAAACGGACGTCATTGA[G>A]TGCAGTAAGTTGGGGAGCTTGCCTGCATGGCGATTGCACGTGTTGACAGCTGAGGGTCCT-3'
Protein context (NP_060250.2, residues 2525-2545): LFMSHKRTSL[Ser2535Asn]AEDAEVTKAF

ClinVar aggregate classification (germline): Uncertain significance (1 of 4 stars; one submission).

Conditions:
CHARGE syndrome (CHARGE). Also called: Coloboma, heart anomaly, choanal atresia, retardation, genital and ear anomalies; CHARGE association; Hall-Hittner syndrome; Hittner Hirsch Kreh syndrome; CHARGE ASSOCIATION--COLOBOMA, HEART ANOMALY, CHOANAL ATRESIA, RETARDATION, GENITAL AND EAR ANOMALIES. Identifiers: Orphanet 138, MedGen C0265354, MONDO:0008965.

Submission:

MGZ Medical Genetics Center
Classification: Uncertain significance for CHD7-related CHARGE syndrome. Last evaluated: 2022-03-15. Review status: criteria provided, single submitter. Criteria: ACMG Guidelines, 2015. Collection method: clinical testing. Allele origin: germline. Affected: yes. Observed: 1 variant allele.
Comment: ACMG criteria applied: PS2_SUP, PM2_SUP, PP2